The following is an entry in ClinVar:

ClinVar aggregate classification (germline): Uncertain significance (1 of 4 stars; one submission).

Conditions:
Developmental and epileptic encephalopathy. Identifiers: MedGen C5779964, MONDO:0100620.

Allele frequency attached by ClinVar (database versions not stated): 1000 Genomes Project 0.00020; TOPMed 0.00001; 1000 Genomes Project 30x 0.00016.
gnomAD v4.1: 30 of 1,613,248 alleles (0.0019%); highest among the groups gnomAD compares: Middle Eastern, 0.016%; no homozygotes.

Submission:

Labcorp Genetics (formerly Invitae), Labcorp
Classification: Uncertain significance for Early-infantile DEE. Last evaluated: 2021-08-07. Review status: criteria provided, single submitter. Criteria: Invitae Variant Classification Sherloc (09022015). Collection method: clinical testing. Allele origin: germline.
Comment: This sequence change falls in intron 29 of the CACNA2D2 gene. It does not directly change the encoded amino acid sequence of the CACNA2D2 protein, but it affects a nucleotide within the consensus splice site of the intron. This variant is not present in population databases (ExAC no frequency). This variant has not been reported in the literature in individuals with CACNA2D2-related conditions. Nucleotide substitutions within the consensus splice site are a relatively common cause of aberrant splicing (PMID: 17576681, 9536098). Algorithms developed to predict the effect of sequence changes on RNA splicing suggest that this variant may create or strengthen a splice site, but this prediction has not been confirmed by published transcriptional studies. In summary, the available evidence is currently insufficient to determine the role of this variant in disease. Therefore, it has been classified as a Variant of Uncertain Significance.

Literature cited by the submitters: PubMed 17576681; PubMed 9536098.

NM_006030.4(CACNA2D2):c.2589+5T>G

Genes: CACNA2D2 (calcium voltage-gated channel auxiliary subunit alpha2delta 2; minus strand), LOC101928965 (uncharacterized LOC101928965; plus strand), LOC127898564 (CYB561D2-LOC101928965; plus strand). Cytogenetic location: 3p21.31.
Variant type: single nucleotide variant.
Coding change: c.2589+5T>G on transcript NM_006030.4 (MANE Select); 5 bases into the intron after coding-DNA position 2589, T replaced by G.
Molecular consequence: intron variant.
Genome position (GRCh38, 1-based): chr3:50,366,826, A>C on the plus strand (T>G on the coding strand, the complement: CACNA2D2 is on the minus strand). VCF-style: chr3-50366826-A-C. GRCh37 (hg19) VCF-style: chr3-50404257-A-C.
Other names: c.2382+5T>G (NM_001291101.1); c.2589+5T>G (NM_001005505.3); c.2610+5T>G (NM_001174051.3).
Identifiers: ClinVar variation 1011418 (VCV001011418.3), dbSNP rs137987584, ClinGen allele CA74607561.